The following is an entry in ClinVar:

ClinVar aggregate classification (germline): Likely pathogenic (1 of 4 stars; one submission).

Submission:

Labcorp Genetics (formerly Invitae), Labcorp
Classification: Likely pathogenic. Last evaluated: 2025-03-06. Review status: criteria provided, single submitter. Criteria: Invitae Variant Classification Sherloc (09022015). Collection method: clinical testing. Allele origin: germline.
Comment: This sequence change affects an acceptor splice site in intron 3 of the KIAA0556 gene. It is expected to disrupt RNA splicing. Variants that disrupt the donor or acceptor splice site typically lead to a loss of protein function (PMID: 16199547), and loss-of-function variants in KIAA0556 are known to be pathogenic (PMID: 26714646, 27245168). This variant is not present in population databases (gnomAD no frequency). This variant has not been reported in the literature in individuals affected with KIAA0556-related conditions. Algorithms developed to predict the effect of sequence changes on RNA splicing suggest that this variant may disrupt the consensus splice site. In summary, the currently available evidence indicates that the variant is pathogenic, but additional data are needed to prove that conclusively. Therefore, this variant has been classified as Likely Pathogenic.

Literature cited by the submitters: PubMed 16199547; PubMed 26714646; PubMed 27245168.

NM_015202.5(KATNIP):c.141-2A>G

Gene: KATNIP (katanin interacting protein; plus strand). Cytogenetic location: 16p12.1.
Variant type: single nucleotide variant.
Coding change: c.141-2A>G on transcript NM_015202.5 (MANE Select); the canonical splice acceptor site of the intron before coding-DNA position 141, A replaced by G.
Molecular consequence: splice acceptor variant.
Genome position (GRCh38, 1-based): chr16:27,628,659, A>G. VCF-style: chr16-27628659-A-G. GRCh37 (hg19) VCF-style: chr16-27639980-A-G.
Identifiers: ClinVar variation 4713551 (VCV004713551.1).